The following is an entry in ClinVar:

NM_000553.6(WRN):c.773C>T (p.Ser258Phe)

Gene: WRN (WRN RecQ like helicase; plus strand). Cytogenetic location: 8p12.
Variant type: single nucleotide variant.
Coding change: c.773C>T on transcript NM_000553.6 (MANE Select); coding-DNA position 773, C replaced by T.
Protein change: p.Ser258Phe; replaces serine 258 with phenylalanine.
Molecular consequence: missense variant.
Genome position (GRCh38, 1-based): chr8:31,076,221, C>T. VCF-style: chr8-31076221-C-T. GRCh37 (hg19) VCF-style: chr8-30933737-C-T.
Other names: short protein forms S258F.
Identifiers: ClinVar variation 1426119 (VCV001426119.3), dbSNP rs2130094798, ClinGen allele CA370918484.

ClinVar aggregate classification (germline): Uncertain significance (1 of 4 stars; one submission).

Conditions:
Werner syndrome (WRN). Identifiers: Orphanet 902, MedGen C0043119, MONDO:0010196, OMIM 277700.

Allele frequency attached by ClinVar (database versions not stated): gnomAD exomes below 0.00001.
gnomAD v4.1: 1 of 1,613,764 alleles (0.000062%); highest among the groups gnomAD compares: Non-Finnish European, 0.000085%; no homozygotes.

Submission:

Labcorp Genetics (formerly Invitae), Labcorp
Classification: Uncertain significance for Werner syndrome. Last evaluated: 2021-09-07. Review status: criteria provided, single submitter. Criteria: Invitae Variant Classification Sherloc (09022015). Collection method: clinical testing. Allele origin: germline.
Comment: This sequence change replaces serine with phenylalanine at codon 258 of the WRN protein (p.Ser258Phe). The serine residue is moderately conserved and there is a large physicochemical difference between serine and phenylalanine. This variant is not present in population databases (ExAC no frequency). This variant has not been reported in the literature in individuals affected with WRN-related conditions. Algorithms developed to predict the effect of missense changes on protein structure and function are either unavailable or do not agree on the potential impact of this missense change (SIFT: "Not Available"; PolyPhen-2: "Probably Damaging"; Align-GVGD: "Not Available"). In summary, the available evidence is currently insufficient to determine the role of this variant in disease. Therefore, it has been classified as a Variant of Uncertain Significance.